The following is an entry in ClinVar:

NM_005235.3(ERBB4):c.394C>G (p.Gln132Glu)

Gene: ERBB4 (erb-b2 receptor tyrosine kinase 4; minus strand). Cytogenetic location: 2q34.
Variant type: single nucleotide variant.
Coding change: c.394C>G on transcript NM_005235.3 (MANE Select); coding-DNA position 394, C replaced by G.
Protein change: p.Gln132Glu; replaces glutamine 132 with glutamic acid.
Molecular consequence: missense variant.
Genome position (GRCh38, 1-based): chr2:211,947,457, G>C on the plus strand (C>G on the coding strand, the complement: ERBB4 is on the minus strand). VCF-style: chr2-211947457-G-C. GRCh37 (hg19) VCF-style: chr2-212812182-G-C.
Other names: c.394C>G, p.Gln132Glu (NM_001042599.2); short protein forms Q132E.
Identifiers: ClinVar variation 2718896 (VCV002718896.3), dbSNP rs2080733001, ClinGen allele CA350782056.

ClinVar aggregate classification (germline): Uncertain significance (1 of 4 stars; one submission).

Allele frequency attached by ClinVar (database versions not stated): gnomAD exomes below 0.00001; gnomAD 0.00001.
gnomAD v4.1: 7 of 1,613,620 alleles (0.00043%); highest among the groups gnomAD compares: African/African-American, 0.0013%; no homozygotes.

Submission:

Labcorp Genetics (formerly Invitae), Labcorp
Classification: Uncertain significance. Last evaluated: 2023-04-20. Review status: criteria provided, single submitter. Criteria: Invitae Variant Classification Sherloc (09022015). Collection method: clinical testing. Allele origin: germline.
Comment: This variant is not present in population databases (gnomAD no frequency). This sequence change replaces glutamine, which is neutral and polar, with glutamic acid, which is acidic and polar, at codon 132 of the ERBB4 protein (p.Gln132Glu). This variant has not been reported in the literature in individuals affected with ERBB4-related conditions. Advanced modeling of protein sequence and biophysical properties (such as structural, functional, and spatial information, amino acid conservation, physicochemical variation, residue mobility, and thermodynamic stability) performed at Invitae indicates that this missense variant is not expected to disrupt ERBB4 protein function. In summary, the available evidence is currently insufficient to determine the role of this variant in disease. Therefore, it has been classified as a Variant of Uncertain Significance.